The following is an entry in ClinVar:

ClinVar aggregate classification (germline): Uncertain significance. Review status: criteria provided, multiple submitters, no conflicts (2 of 4 stars). 2 submissions from 2 submitters: Uncertain significance (2). Last evaluated 2025-08-04.

Conditions:
Inborn genetic diseases. Identifiers: MedGen C0950123, MeSH D030342.

Allele frequency attached by ClinVar (database versions not stated): ExAC 0.00001.
gnomAD v4.1: 3 of 1,614,178 alleles (0.00019%); highest among the groups gnomAD compares: East Asian, 0.0067%; no homozygotes.

Submissions (2):

Labcorp Genetics (formerly Invitae), Labcorp
Classification: Uncertain significance. Last evaluated: 2025-08-04. Review status: criteria provided, single submitter. Criteria: Invitae Variant Classification Sherloc (09022015). Collection method: clinical testing. Allele origin: germline.
Comment: This sequence change replaces proline, which is neutral and non-polar, with serine, which is neutral and polar, at codon 977 of the LRP2 protein (p.Pro977Ser). This variant is present in population databases (rs773841969, gnomAD 0.01%). This variant has not been reported in the literature in individuals affected with LRP2-related conditions. ClinVar contains an entry for this variant (Variation ID: 1957668). Invitae Evidence Modeling of protein sequence and biophysical properties (such as structural, functional, and spatial information, amino acid conservation, physicochemical variation, residue mobility, and thermodynamic stability) indicates that this missense variant is not expected to disrupt LRP2 protein function with a negative predictive value of 95%. In summary, the available evidence is currently insufficient to determine the role of this variant in disease. Therefore, it has been classified as a Variant of Uncertain Significance.

Ambry Genetics
Classification: Uncertain significance for Inborn genetic diseases. Last evaluated: 2023-06-22. Review status: criteria provided, single submitter. Criteria: Ambry Variant Classification Scheme 2023. Collection method: clinical testing. Allele origin: germline.

NM_004525.3(LRP2):c.2929C>T (p.Pro977Ser)

Gene: LRP2 (LDL receptor related protein 2; minus strand). Cytogenetic location: 2q31.1.
Variant type: single nucleotide variant.
Coding change: c.2929C>T on transcript NM_004525.3 (MANE Select); coding-DNA position 2929, C replaced by T.
Protein change: p.Pro977Ser; replaces proline 977 with serine.
Molecular consequence: missense variant.
Genome position (GRCh38, 1-based): chr2:169,246,966, G>A on the plus strand (C>T on the coding strand, the complement: LRP2 is on the minus strand). VCF-style: chr2-169246966-G-A. GRCh37 (hg19) VCF-style: chr2-170103476-G-A.
Other names: c.2929C>T (NM_004525.2); short protein forms P977S.
Identifiers: ClinVar variation 1957668 (VCV001957668.6), dbSNP rs773841969, ClinGen allele CA1955158.
Genomic context (GRCh38, chr2:169,246,966, plus strand): 5'-CTCGCTGGAAATTTGGCACCGGGAAGCAGAAGTGGCTGCAGTCACCGTTAGGATGCGTGG[G>A]TTGATTACAGGCGTTAGAACCTGCAAAAGCAAAGCCCCGAGGGAGTCAGTCATGTACATT-3'
Protein context (NP_004516.2, residues 967-987): IQTGSNACNQ[Pro977Ser]THPNGDCSHF